The following is an entry in ClinVar:

ClinVar aggregate classification (germline): Uncertain significance. Review status: criteria provided, multiple submitters, no conflicts (2 of 4 stars). 2 submissions from 2 submitters: Uncertain significance (2). Last evaluated 2024-04-23.

Conditions:
Inborn genetic diseases. Identifiers: MedGen C0950123, MeSH D030342.

Allele frequency attached by ClinVar (database versions not stated): gnomAD exomes below 0.00001 and 0.00001; ExAC 0.00001; TOPMed 0.00002; gnomAD 0.00003 and 0.00004.

Submissions (2):

Ambry Genetics
Classification: Uncertain significance for Inborn genetic diseases. Last evaluated: 2024-04-23. Review status: criteria provided, single submitter. Criteria: Ambry Variant Classification Scheme 2023. Collection method: clinical testing. Allele origin: germline.

Labcorp Genetics (formerly Invitae), Labcorp
Classification: Uncertain significance. Last evaluated: 2022-07-18. Review status: criteria provided, single submitter. Criteria: Invitae Variant Classification Sherloc (09022015). Collection method: clinical testing. Allele origin: germline.
Comment: This sequence change replaces isoleucine, which is neutral and non-polar, with threonine, which is neutral and polar, at codon 56 of the PROKR2 protein (p.Ile56Thr). This variant is present in population databases (rs781268393, gnomAD 0.01%). This variant has not been reported in the literature in individuals affected with PROKR2-related conditions. ClinVar contains an entry for this variant (Variation ID: 1490171). Algorithms developed to predict the effect of missense changes on protein structure and function (SIFT, PolyPhen-2, Align-GVGD) all suggest that this variant is likely to be disruptive. In summary, the available evidence is currently insufficient to determine the role of this variant in disease. Therefore, it has been classified as a Variant of Uncertain Significance.

NM_144773.4(PROKR2):c.167T>C (p.Ile56Thr)

Gene: PROKR2 (prokineticin receptor 2; minus strand). Cytogenetic location: 20p12.3.
Variant type: single nucleotide variant.
Coding change: c.167T>C on transcript NM_144773.4 (MANE Select); coding-DNA position 167, T replaced by C.
Protein change: p.Ile56Thr; replaces isoleucine 56 with threonine.
Molecular consequence: missense variant.
Genome position (GRCh38, 1-based): chr20:5,314,203, A>G on the plus strand (T>C on the coding strand, the complement: PROKR2 is on the minus strand). VCF-style: chr20-5314203-A-G. GRCh37 (hg19) VCF-style: chr20-5294849-A-G.
Other names: c.167T>C (NM_144773.2); short protein forms I56T.
Identifiers: ClinVar variation 1490171 (VCV001490171.4), dbSNP rs781268393, ClinGen allele CA9754419.